The following is an entry in ClinVar:

NM_000553.6(WRN):c.3403G>C (p.Glu1135Gln)

Gene: WRN (WRN RecQ like helicase; plus strand). Cytogenetic location: 8p12.
Variant type: single nucleotide variant.
Coding change: c.3403G>C on transcript NM_000553.6 (MANE Select); coding-DNA position 3403, G replaced by C.
Protein change: p.Glu1135Gln; replaces glutamic acid 1135 with glutamine.
Molecular consequence: missense variant.
Genome position (GRCh38, 1-based): chr8:31,147,072, G>C. VCF-style: chr8-31147072-G-C. GRCh37 (hg19) VCF-style: chr8-31004588-G-C.
Other names: short protein forms E1135Q.
Identifiers: ClinVar variation 1472126 (VCV001472126.6), dbSNP rs2130438517, ClinGen allele CA370925237.

ClinVar aggregate classification (germline): Uncertain significance (1 of 4 stars; one submission).

Conditions:
Werner syndrome (WRN). Identifiers: Orphanet 902, MedGen C0043119, MONDO:0010196, OMIM 277700.

Submission:

Labcorp Genetics (formerly Invitae), Labcorp
Classification: Uncertain significance for Werner syndrome. Last evaluated: 2020-12-12. Review status: criteria provided, single submitter. Criteria: Invitae Variant Classification Sherloc (09022015). Collection method: clinical testing. Allele origin: germline.
Comment: This sequence change replaces glutamic acid with glutamine at codon 1135 of the WRN protein (p.Glu1135Gln). The glutamic acid residue is weakly conserved and there is a small physicochemical difference between glutamic acid and glutamine. This variant is not present in population databases (ExAC no frequency). This variant has not been reported in the literature in individuals with WRN-related conditions. Algorithms developed to predict the effect of missense changes on protein structure and function are either unavailable or do not agree on the potential impact of this missense change (SIFT: "Not Available"; PolyPhen-2: "Benign"; Align-GVGD: "Not Available"). In summary, the available evidence is currently insufficient to determine the role of this variant in disease. Therefore, it has been classified as a Variant of Uncertain Significance.